The following is an entry in ClinVar:

NM_004341.5(CAD):c.1403G>T (p.Arg468Leu)

Gene: CAD (carbamoyl-phosphate synthetase 2, aspartate transcarbamylase, and dihydroorotase; plus strand). Cytogenetic location: 2p23.3.
Variant type: single nucleotide variant.
Coding change: c.1403G>T on transcript NM_004341.5 (MANE Select); coding-DNA position 1403, G replaced by T.
Protein change: p.Arg468Leu; replaces arginine 468 with leucine.
Molecular consequence: missense variant.
Genome position (GRCh38, 1-based): chr2:27,225,026, G>T. VCF-style: chr2-27225026-G-T. GRCh37 (hg19) VCF-style: chr2-27447894-G-T.
Other names: c.1403G>T, p.Arg468Leu (NM_001306079.2); short protein forms R468L.
Identifiers: ClinVar variation 4746605 (VCV004746605.1).

ClinVar aggregate classification (germline): Uncertain significance (1 of 4 stars; one submission).

gnomAD v4.1: 1 of 1,609,616 alleles (0.000062%); highest among the groups gnomAD compares: Non-Finnish European, 0.000085%; no homozygotes.

Submission:

Labcorp Genetics (formerly Invitae), Labcorp
Classification: Uncertain significance. Last evaluated: 2025-05-28. Review status: criteria provided, single submitter. Criteria: Invitae Variant Classification Sherloc (09022015). Collection method: clinical testing. Allele origin: germline.
Comment: This sequence change replaces arginine, which is basic and polar, with leucine, which is neutral and non-polar, at codon 468 of the CAD protein (p.Arg468Leu). This variant is not present in population databases (gnomAD no frequency). This variant has not been reported in the literature in individuals affected with CAD-related conditions. Invitae Evidence Modeling of protein sequence and biophysical properties (such as structural, functional, and spatial information, amino acid conservation, physicochemical variation, residue mobility, and thermodynamic stability) indicates that this missense variant is not expected to disrupt CAD protein function with a negative predictive value of 80%. In summary, the available evidence is currently insufficient to determine the role of this variant in disease. Therefore, it has been classified as a Variant of Uncertain Significance.